The following is an entry in ClinVar:

NC_000002.11:g.(?_239246983)_(239247118_?)del

Gene: TRAF3IP1 (TRAF3 interacting protein 1; plus strand). Cytogenetic location: 2q37.3.
Variant type: Deletion.
Identifiers: ClinVar variation 1062697 (VCV001062697.2).

ClinVar aggregate classification (germline): Uncertain significance (1 of 4 stars; one submission).

Submission:

Labcorp Genetics (formerly Invitae), Labcorp
Classification: Uncertain significance. Last evaluated: 2022-06-27. Review status: criteria provided, single submitter. Criteria: Invitae Variant Classification Sherloc (09022015). Collection method: clinical testing. Allele origin: germline.
Comment: This variant is a gross deletion of the genomic region encompassing exon(s) 8 of the TRAF3IP1 gene. This variant would be expected to be in-frame, preserving the integrity of the reading frame. This variant has not been reported in the literature in individuals affected with TRAF3IP1-related conditions. Experimental studies and prediction algorithms are not available or were not evaluated, and the functional significance of this variant is currently unknown. In summary, the available evidence is currently insufficient to determine the role of this variant in disease. Therefore, it has been classified as a Variant of Uncertain Significance.